The following is an entry in ClinVar:

NM_001102416.3(KNG1):c.1431C>T (p.Phe477=)

Gene: KNG1 (kininogen 1; plus strand). Cytogenetic location: 3q27.3.
Variant type: single nucleotide variant.
Coding change: c.1431C>T on transcript NM_001102416.3 (MANE Select); coding-DNA position 1431, C replaced by T.
Protein change: p.Phe477=; no amino-acid change (phenylalanine 477 retained).
Molecular consequence: synonymous variant. On other transcripts: intron variant (2).
Genome position (GRCh38, 1-based): chr3:186,741,827, C>T. VCF-style: chr3-186741827-C-T. GRCh37 (hg19) VCF-style: chr3-186459616-C-T.
Other names: c.1203+228C>T (NM_000893.4); c.1095+228C>T (NM_001166451.2).
Identifiers: ClinVar variation 2654340 (VCV002654340.24), dbSNP rs1396227479, ClinGen allele CA437633135.

ClinVar aggregate classification (germline): Likely benign (1 of 4 stars; one submission).

Allele frequency attached by ClinVar (database versions not stated): gnomAD exomes below 0.00001; TOPMed 0.00001.
gnomAD v4.1: 5 of 1,613,560 alleles (0.00031%); highest among the groups gnomAD compares: Non-Finnish European, 0.00042%; no homozygotes.

Submission:

CeGaT Center for Human Genetics Tuebingen
Classification: Likely benign. Last evaluated: 2022-05-01. Review status: criteria provided, single submitter. Criteria: CeGaT Center For Human Genetics Tuebingen Variant Classification Criteria Version 2. Collection method: clinical testing. Allele origin: germline. Affected: yes. Observed: 1 variant allele.
Comment: KNG1: BP4, BP7